The following is an entry in ClinVar:

NM_000180.4(GUCY2D):c.736A>G (p.Met246Val)

Gene: GUCY2D (guanylate cyclase 2D, retinal; plus strand). Cytogenetic location: 17p13.1.
Variant type: single nucleotide variant.
Coding change: c.736A>G on transcript NM_000180.4 (MANE Select); coding-DNA position 736, A replaced by G.
Protein change: p.Met246Val; replaces methionine 246 with valine.
Molecular consequence: missense variant.
Genome position (GRCh38, 1-based): chr17:8,003,866, A>G. VCF-style: chr17-8003866-A-G. GRCh37 (hg19) VCF-style: chr17-7907184-A-G.
Other names: short protein forms M246V.
Identifiers: ClinVar variation 1510988 (VCV001510988.9), dbSNP rs959135126, ClinGen allele CA397945052.

ClinVar aggregate classification (germline): Uncertain significance. Review status: criteria provided, multiple submitters, no conflicts (2 of 4 stars). 2 submissions from 2 submitters: Uncertain significance (2). Last evaluated 2025-05-12.

Conditions:
Cone-rod dystrophy 6 (CORD6). Also called: RETINAL CONE DYSTROPHY 2; Cone dystrophy progressive. Identifiers: Orphanet 1872, MedGen C1866293, MONDO:0011143, OMIM 601777.
Leber congenital amaurosis 1 (LCA1). Also called: Congenital absence of the rods and cones; Leber's congenital tapetoretinal degeneration; Leber's congenital tapetoretinal dysplasia; RETINAL BLINDNESS, CONGENITAL; AMAUROSIS CONGENITA OF LEBER I. Identifiers: Orphanet 65, MedGen C2931258, MONDO:0008764, OMIM 204000.

Submissions (2):

Women's Health and Genetics/Laboratory Corporation of America, LabCorp
Classification: Uncertain significance. Last evaluated: 2025-05-12. Review status: criteria provided, single submitter. Criteria: LabCorp Variant Classification Summary - May 2015. Collection method: clinical testing. Allele origin: germline.
Comment: Variant summary: GUCY2D c.736A>G (p.Met246Val) results in a conservative amino acid change in the encoded protein sequence. Algorithms developed to predict the effect of missense changes on protein structure and function are either unavailable or do not agree on the potential impact of this missense change. The variant was absent in 248866 control chromosomes. The available data on variant occurrences in the general population are insufficient to allow any conclusion about variant significance. To our knowledge, no occurrence of c.736A>G in individuals affected with Leber Congenital Amaurosis and no experimental evidence demonstrating its impact on protein function have been reported. ClinVar contains an entry for this variant (Variation ID: 1510988). Based on the evidence outlined above, the variant was classified as uncertain significance.

Labcorp Genetics (formerly Invitae), Labcorp
Classification: Uncertain significance for Leber congenital amaurosis 1; Cone-rod dystrophy 6. Last evaluated: 2021-06-05. Review status: criteria provided, single submitter. Criteria: Invitae Variant Classification Sherloc (09022015). Collection method: clinical testing. Allele origin: germline.
Comment: In summary, the available evidence is currently insufficient to determine the role of this variant in disease. Therefore, it has been classified as a Variant of Uncertain Significance. Algorithms developed to predict the effect of missense changes on protein structure and function are either unavailable or do not agree on the potential impact of this missense change (SIFT: "Deleterious"; PolyPhen-2: "Possibly Damaging"; Align-GVGD: "Class C15"). This variant has not been reported in the literature in individuals with GUCY2D-related conditions. This variant is not present in population databases (ExAC no frequency). This sequence change replaces methionine with valine at codon 246 of the GUCY2D protein (p.Met246Val). The methionine residue is highly conserved and there is a small physicochemical difference between methionine and valine.